The following is an entry in ClinVar:

NM_000553.6(WRN):c.1051C>T (p.Leu351Phe)

Gene: WRN (WRN RecQ like helicase; plus strand). Cytogenetic location: 8p12.
Variant type: single nucleotide variant.
Coding change: c.1051C>T on transcript NM_000553.6 (MANE Select); coding-DNA position 1051, C replaced by T.
Protein change: p.Leu351Phe; replaces leucine 351 with phenylalanine.
Molecular consequence: missense variant.
Genome position (GRCh38, 1-based): chr8:31,081,078, C>T. VCF-style: chr8-31081078-C-T. GRCh37 (hg19) VCF-style: chr8-30938594-C-T.
Other names: short protein forms L351F.
Identifiers: ClinVar variation 3717415 (VCV003717415.2).

ClinVar aggregate classification (germline): Uncertain significance (1 of 4 stars; one submission).

Conditions:
Werner syndrome (WRN). Identifiers: Orphanet 902, MedGen C0043119, MONDO:0010196, OMIM 277700.

Submission:

Labcorp Genetics (formerly Invitae), Labcorp
Classification: Uncertain significance for Werner syndrome. Last evaluated: 2024-03-10. Review status: criteria provided, single submitter. Criteria: Invitae Variant Classification Sherloc (09022015). Collection method: clinical testing. Allele origin: germline.
Comment: This sequence change replaces leucine, which is neutral and non-polar, with phenylalanine, which is neutral and non-polar, at codon 351 of the WRN protein (p.Leu351Phe). This variant is not present in population databases (gnomAD no frequency). This variant has not been reported in the literature in individuals affected with WRN-related conditions. Algorithms developed to predict the effect of missense changes on protein structure and function output the following: SIFT: "Not Available"; PolyPhen-2: "Benign"; Align-GVGD: "Not Available". The phenylalanine amino acid residue is found in multiple mammalian species, which suggests that this missense change does not adversely affect protein function. In summary, the available evidence is currently insufficient to determine the role of this variant in disease. Therefore, it has been classified as a Variant of Uncertain Significance.